The following is an entry in ClinVar:

NM_001243279.3(ACSF3):c.1016T>C (p.Val339Ala)

Genes: ACSF3 (acyl-CoA synthetase family member 3; plus strand), LOC125177393 (P300/CBP strongly-dependent group 1 enhancer GRCh37_chr16:89180375-89181574; plus strand). Cytogenetic location: 16q24.3.
Variant type: single nucleotide variant.
Coding change: c.1016T>C on transcript NM_001243279.3 (MANE Select); coding-DNA position 1016, T replaced by C.
Protein change: p.Val339Ala; replaces valine 339 with alanine.
Molecular consequence: missense variant. On other transcripts: non-coding transcript variant (2).
Genome position (GRCh38, 1-based): chr16:89,114,377, T>C. VCF-style: chr16-89114377-T-C. GRCh37 (hg19) VCF-style: chr16-89180785-T-C.
Other names: c.1016T>C, p.Val339Ala (NM_001127214.4, NM_174917.5); c.221T>C, p.Val74Ala (NM_001284316.2); short protein forms V74A, V339A.
Identifiers: ClinVar variation 2921122 (VCV002921122.1), dbSNP rs768294145, ClinGen allele CA8237931.

ClinVar aggregate classification (germline): Uncertain significance (1 of 4 stars; one submission).

Conditions:
Combined malonic and methylmalonic acidemia. Identifiers: Orphanet 289504, MedGen C3280314, MONDO:0013661, OMIM 614265.

Allele frequency attached by ClinVar (database versions not stated): gnomAD exomes below 0.00001; ExAC 0.00001; TOPMed 0.00005; gnomAD 0.00007.
gnomAD v4.1: 16 of 1,613,930 alleles (0.00099%); highest among the groups gnomAD compares: African/African-American, 0.02%; no homozygotes.

Submission:

ARUP Laboratories, Molecular Genetics and Genomics, ARUP Laboratories
Classification: Uncertain significance for Combined malonic and methylmalonic acidemia. Last evaluated: 2023-10-20. Review status: criteria provided, single submitter. Criteria: ARUP Molecular Germline Variant Investigation Process 2024. Collection method: clinical testing. Allele origin: germline.
Comment: The ACSF3 c.1016T>C; p.Val339Ala variant (rs768294145), to our knowledge, is not reported in the medical literature or gene specific databases. This variant is found in the general population with an overall allele frequency of 0.004% (8/282,676 alleles) in the Genome Aggregation Database. Computational analyses are uncertain whether this variant is neutral or deleterious (REVEL: 0.263). Due to limited information, the clinical significance of this variant is uncertain at this time.